The following is an entry in ClinVar:

ClinVar aggregate classification (germline): Uncertain significance (1 of 4 stars; one submission).

Conditions:
Hereditary cancer-predisposing syndrome. Also called: Neoplastic Syndromes, Hereditary; Tumor predisposition; Hereditary neoplastic syndrome; Hereditary Cancer Syndrome. Identifiers: Orphanet 140162, MedGen C0027672, MeSH D009386, MONDO:0015356.

Submission:

Ambry Genetics
Classification: Uncertain significance for Hereditary cancer-predisposing syndrome. Last evaluated: 2022-12-02. Review status: criteria provided, single submitter. Criteria: Ambry Variant Classification Scheme 2023. Collection method: clinical testing. Allele origin: germline.
Comment: The p.L1108F variant (also known as c.3322C>T), located in coding exon 23 of the SMARCA4 gene, results from a C to T substitution at nucleotide position 3322. The leucine at codon 1108 is replaced by phenylalanine, an amino acid with highly similar properties. This amino acid position is highly conserved in available vertebrate species. In addition, this alteration is predicted to be deleterious by in silico analysis. Missense and in-frame variants in SMARCA4 are known to cause neurodevelopmental disorders; however, such associations with rhabdoid tumor predisposition syndrome including small cell carcinoma of the ovary-hypercalcemic type (SCCOHT) are exceedingly rare (Kosho T et al. Am J Med Genet C Semin Med Genet. 2014 Sep;166C(3):262-75; Jelinic P et al. Nat Genet. 2014 May;46(5):424-6). Since supporting evidence is limited at this time, the clinical significance of this alteration remains unclear.

NM_003072.5(SMARCA4):c.3322C>T (p.Leu1108Phe)

Gene: SMARCA4 (SWI/SNF related BAF chromatin remodeling complex subunit ATPase 4; plus strand). Cytogenetic location: 19p13.2.
Variant type: single nucleotide variant.
Coding change: c.3322C>T on transcript NM_003072.5 (MANE Select); coding-DNA position 3322, C replaced by T.
Protein change: p.Leu1108Phe; replaces leucine 1108 with phenylalanine.
Molecular consequence: missense variant. On other transcripts: non-coding transcript variant (1).
Genome position (GRCh38, 1-based): chr19:11,027,890, C>T. VCF-style: chr19-11027890-C-T. GRCh37 (hg19) VCF-style: chr19-11138566-C-T.
Other names: c.3322C>T, p.Leu1108Phe (NM_001128844.3, NM_001128845.2, NM_001128846.2 and 6 more transcripts); short protein forms L1108F.
Identifiers: ClinVar variation 3233103 (VCV003233103.1), dbSNP rs2515118872, ClinGen allele CA404061726.